The following is an entry in ClinVar:

NM_138792.4(LEO1):c.505C>G (p.Gln169Glu)

Gene: LEO1 (LEO1 component of Paf1/RNA polymerase II complex; minus strand). Cytogenetic location: 15q21.2.
Variant type: single nucleotide variant.
Coding change: c.505C>G on transcript NM_138792.4 (MANE Select); coding-DNA position 505, C replaced by G.
Protein change: p.Gln169Glu; replaces glutamine 169 with glutamic acid.
Molecular consequence: missense variant.
Genome position (GRCh38, 1-based): chr15:51,966,058, G>C on the plus strand (C>G on the coding strand, the complement: LEO1 is on the minus strand). VCF-style: chr15-51966058-G-C. GRCh37 (hg19) VCF-style: chr15-52258255-G-C.
Other names: c.505C>G, p.Gln169Glu (NM_001286430.2, NM_001323903.2, NM_001323904.2 and 2 more transcripts); short protein forms Q169E.
Identifiers: ClinVar variation 4531028 (VCV004531028.1).

ClinVar aggregate classification (germline): Uncertain significance (1 of 4 stars; one submission).

Submission:

GeneDx
Classification: Uncertain significance. Last evaluated: 2025-05-23. Review status: criteria provided, single submitter. Criteria: GeneDx Variant Classification Process June 2021. Collection method: clinical testing. Allele origin: germline. Affected: yes.
Comment: Not observed at significant frequency in large population cohorts (gnomAD); In silico analysis suggests that this missense variant does not alter protein structure/function; Has not been previously published as pathogenic or benign to our knowledge